The following is an entry in ClinVar:

NM_001371623.1(TCOF1):c.3442G>A (p.Asp1148Asn)

Gene: TCOF1 (treacle ribosome biogenesis factor 1; plus strand). Cytogenetic location: 5q32.
Variant type: single nucleotide variant.
Coding change: c.3442G>A on transcript NM_001371623.1 (MANE Select); coding-DNA position 3442, G replaced by A.
Protein change: p.Asp1148Asn; replaces aspartic acid 1148 with asparagine.
Molecular consequence: missense variant.
Genome position (GRCh38, 1-based): chr5:150,392,101, G>A. VCF-style: chr5-150392101-G-A. GRCh37 (hg19) VCF-style: chr5-149771664-G-A.
Other names: c.3211G>A, p.Asp1071Asn (NM_000356.4, NM_001135245.2); c.3442G>A, p.Asp1148Asn (NM_001135243.2); c.3328G>A, p.Asp1110Asn (NM_001135244.2, NM_001195141.2); short protein forms D1071N, D1148N, D1110N.
Identifiers: ClinVar variation 2365096 (VCV002365096.6), dbSNP rs769189048, ClinGen allele CA3511500.

ClinVar aggregate classification (germline): Uncertain significance. Review status: criteria provided, multiple submitters, no conflicts (2 of 4 stars). 4 submissions from 4 submitters: Uncertain significance (3). 1 of the submissions does not count toward it. Last evaluated 2025-09-08.

Conditions:
TCOF1-related disorder. Also called: TCOF1-related condition.
Inborn genetic diseases. Identifiers: MedGen C0950123, MeSH D030342.
Treacher Collins syndrome 1 (TCS1). Also called: TCOF1-Related Treacher Collins Syndrome. Identifiers: Orphanet 861, MedGen CN315775, MONDO:0007944, OMIM 154500.

Allele frequency attached by ClinVar (database versions not stated): ExAC 0.00004.
gnomAD v4.1: 17 of 1,614,242 alleles (0.0011%); highest among the groups gnomAD compares: Admixed American, 0.025%; no homozygotes.

Submissions (4):

Labcorp Genetics (formerly Invitae), Labcorp
Classification: Uncertain significance for Treacher Collins syndrome 1. Last evaluated: 2025-09-08. Review status: criteria provided, single submitter. Criteria: Invitae Variant Classification Sherloc (09022015). Collection method: clinical testing. Allele origin: germline.
Comment: This sequence change replaces aspartic acid, which is acidic and polar, with asparagine, which is neutral and polar, at codon 1148 of the TCOF1 protein (p.Asp1148Asn). This variant is present in population databases (rs769189048, gnomAD 0.04%), and has an allele count higher than expected for a pathogenic variant. This variant has not been reported in the literature in individuals affected with TCOF1-related conditions. ClinVar contains an entry for this variant (Variation ID: 2365096). An algorithm developed to predict the effect of missense changes on protein structure and function (PolyPhen-2) suggests that this variant is likely to be disruptive. In summary, the available evidence is currently insufficient to determine the role of this variant in disease. Therefore, it has been classified as a Variant of Uncertain Significance.

Women's Health and Genetics/Laboratory Corporation of America, LabCorp
Classification: Uncertain significance. Last evaluated: 2025-02-11. Review status: criteria provided, single submitter. Criteria: LabCorp Variant Classification Summary - May 2015. Collection method: clinical testing. Allele origin: germline.
Comment: Variant summary: TCOF1 c.3442G>A (p.Asp1148Asn) results in a conservative amino acid change in the encoded protein sequence. Five of five in-silico tools predict a benign effect of the variant on protein function. The variant allele was found at a frequency of 6e-05 in 251382 control chromosomes. This frequency is not significantly higher than estimated for a pathogenic variant in TCOF1 causing Treacher-Collins Syndrome 1, allowing no conclusion about variant significance. To our knowledge, no occurrence of c.3442G>A in individuals affected with Treacher-Collins Syndrome 1 and no experimental evidence demonstrating its impact on protein function have been reported. ClinVar contains an entry for this variant (Variation ID: 2365096). Based on the evidence outlined above, the variant was classified as uncertain significance.

Ambry Genetics
Classification: Uncertain significance for Inborn genetic diseases. Last evaluated: 2022-02-11. Review status: criteria provided, single submitter. Criteria: Ambry Variant Classification Scheme 2023. Collection method: clinical testing. Allele origin: germline.

PreventionGenetics, part of Exact Sciences
Classification: Uncertain significance for TCOF1-related condition. Last evaluated: 2024-01-08. Review status: no assertion criteria provided. Collection method: clinical testing. Allele origin: germline. Not counted in ClinVar's aggregate classification.
Comment: The TCOF1 c.3442G>A variant is predicted to result in the amino acid substitution p.Asp1148Asn. To our knowledge, this variant has not been reported in the literature. This variant is reported in 0.040% of alleles in individuals of Latino descent in gnomAD, which may be too common to be a disease-causing variant in this gene. Although we suspect this variant may be benign, at this time, the clinical significance of this variant is uncertain due to the absence of conclusive functional and genetic evidence.